The following is an entry in ClinVar:

NM_001365999.1(SZT2):c.7466_7467delinsTT (p.Gly2489Val)

Gene: SZT2 (SZT2 subunit of KICSTOR complex; plus strand). Cytogenetic location: 1p34.2.
Variant type: Indel.
Coding change: c.7466_7467delinsTT on transcript NM_001365999.1 (MANE Select); coding-DNA positions 7466 to 7467, GA replaced by TT.
Protein change: p.Gly2489Val; replaces glycine 2489 with valine.
Molecular consequence: missense variant.
Genome position (GRCh38, 1-based): chr1:43,441,335-43,441,336, GA replaced by TT. VCF-style: chr1-43441335-GA-TT. GRCh37 (hg19) VCF-style: chr1-43907006-GA-TT.
Other names: c.7295_7296delinsTT, p.Gly2432Val (NM_015284.4); short protein forms G2432V, G2489V.
Identifiers: ClinVar variation 1758121 (VCV001758121.2), dbSNP rs2545849969, ClinGen allele CA2580062864.

ClinVar aggregate classification (germline): Uncertain significance (1 of 4 stars; one submission).

Conditions:
Inborn genetic diseases. Identifiers: MedGen C0950123, MeSH D030342.

Submission:

Ambry Genetics
Classification: Uncertain significance for Inborn genetic diseases. Last evaluated: 2017-07-19. Review status: criteria provided, single submitter. Criteria: Ambry Variant Classification Scheme 2023. Collection method: clinical testing. Allele origin: germline.
Comment: The c.7295_7296delGAinsTT variant, located in coding exon 52 of the SZT2 gene, results from an in-frame deletion of GA and insertion of TT at nucleotide positions 7295 to 7296. This results in the substitution of the glycine residue for a valine residue at codon 2432 (p.G2432V), an amino acid with dissimilar properties. This amino acid position is well conserved in available vertebrate species. Since supporting evidence is limited at this time, the clinical significance of this alteration remains unclear.